The following is an entry in ClinVar:

NM_003793.4(CTSF):c.1140C>T (p.Ser380=)

Gene: CTSF (cathepsin F; minus strand). Cytogenetic location: 11q13.2.
Variant type: single nucleotide variant.
Coding change: c.1140C>T on transcript NM_003793.4 (MANE Select); coding-DNA position 1140, C replaced by T.
Protein change: p.Ser380=; no amino-acid change (serine 380 retained).
Molecular consequence: synonymous variant.
Genome position (GRCh38, 1-based): chr11:66,564,912, G>A on the plus strand (C>T on the coding strand, the complement: CTSF is on the minus strand). VCF-style: chr11-66564912-G-A. GRCh37 (hg19) VCF-style: chr11-66332383-G-A.
Identifiers: ClinVar variation 1194880 (VCV001194880.5), dbSNP rs143674429, ClinGen allele CA6125311.

ClinVar aggregate classification (germline): Likely benign. Review status: criteria provided, multiple submitters, no conflicts (2 of 4 stars). 3 submissions from 3 submitters: Likely benign (2). 1 of the submissions does not count toward it. Last evaluated 2026-01-11.

Conditions:
CTSF-related disorder. Also called: CTSF-related condition.
Neuronal ceroid lipofuscinosis 13 (CLN13). Also called: CLN13 Disease; CEROID LIPOFUSCINOSIS, NEURONAL, 13 (KUFS TYPE). Identifiers: Orphanet 352709, Orphanet 79262, MedGen C3715049, MONDO:0014147, OMIM 615362.

gnomAD v4.1: 92 of 1,610,686 alleles (0.0057%); highest among the groups gnomAD compares: African/African-American, 0.0094%; no homozygotes.

Submissions (3):

Labcorp Genetics (formerly Invitae), Labcorp
Classification: Likely benign for Neuronal ceroid lipofuscinosis 13. Last evaluated: 2026-01-11. Review status: criteria provided, single submitter. Criteria: Invitae Variant Classification Sherloc (09022015). Collection method: clinical testing. Allele origin: germline.

GeneDx
Classification: Likely benign. Last evaluated: 2019-07-03. Review status: criteria provided, single submitter. Criteria: GeneDx Variant Classification Process June 2021. Collection method: clinical testing. Allele origin: germline. Affected: yes.

PreventionGenetics, part of Exact Sciences
Classification: Likely benign for CTSF-related condition. Last evaluated: 2021-12-30. Review status: no assertion criteria provided. Collection method: clinical testing. Allele origin: germline. Not counted in ClinVar's aggregate classification.
Comment: This variant is classified as likely benign based on ACMG/AMP sequence variant interpretation guidelines (Richards et al. 2015 PMID: 25741868, with internal and published modifications).